The following is an entry in ClinVar:

NM_001845.6(COL4A1):c.82A>G (p.Lys28Glu)

Gene: COL4A1 (collagen type IV alpha 1 chain; minus strand). Cytogenetic location: 13q34.
Variant type: single nucleotide variant.
Coding change: c.82A>G on transcript NM_001845.6 (MANE Select); coding-DNA position 82, A replaced by G.
Protein change: p.Lys28Glu; replaces lysine 28 with glutamic acid.
Molecular consequence: missense variant.
Genome position (GRCh38, 1-based): chr13:110,306,946, T>C on the plus strand (A>G on the coding strand, the complement: COL4A1 is on the minus strand). VCF-style: chr13-110306946-T-C. GRCh37 (hg19) VCF-style: chr13-110959293-T-C.
Other names: c.82A>G, p.Lys28Glu (NM_001303110.2); short protein forms K28E.
Identifiers: ClinVar variation 311083 (VCV000311083.9), dbSNP rs886049964, ClinGen allele CA10633846.

ClinVar aggregate classification (germline): Uncertain significance. Review status: criteria provided, multiple submitters, no conflicts (2 of 4 stars). 3 submissions from 2 submitters: Uncertain significance (3). Last evaluated 2024-09-03.

Conditions:
Brain small vessel disease 1 with or without ocular anomalies (BSVD1). Also called: BRAIN SMALL VESSEL DISEASE WITH HEMORRHAGE; GOULD SYNDROME 1; PORENCEPHALY, TYPE 1, AUTOSOMAL DOMINANT; Brain small vessel disease with or without ocular anomalies. Identifiers: Orphanet 2940, Orphanet 36383, Orphanet 99810, MedGen C4755307, MONDO:0008289, OMIM 175780.
Autosomal dominant familial hematuria-retinal arteriolar tortuosity-contractures syndrome. Also called: Angiopathy, hereditary, with nephropathy, aneurysms, and muscle cramps; Hereditary Angiopathy with Nephropathy, Aneurysms, and Muscle Cramps (HANAC) Syndrome. Identifiers: Orphanet 73229, MedGen C2673195, MONDO:0012726, OMIM 611773.

Allele frequency attached by ClinVar (database versions not stated): gnomAD exomes below 0.00001; TOPMed below 0.00001.
gnomAD v4.1: 1 of 1,471,908 alleles (0.000068%); highest among the groups gnomAD compares: Non-Finnish European, 0.00009%; no homozygotes.

Submissions (3):

Women's Health and Genetics/Laboratory Corporation of America, LabCorp
Classification: Uncertain significance. Last evaluated: 2024-09-03. Review status: criteria provided, single submitter. Criteria: LabCorp Variant Classification Summary - May 2015. Collection method: clinical testing. Allele origin: germline.
Comment: Variant summary: COL4A1 c.82A>G (p.Lys28Glu) results in a conservative amino acid change in the encoded protein sequence. Four of five in-silico tools predict a benign effect of the variant on protein function. Consensus agreement among computation tools predict no significant impact on normal splicing. However, these predictions have yet to be confirmed by functional studies. This varianat has been found at a frequency of 6.794e-7 in control populations (gnomAD). To our knowledge, no occurrence of c.82A>G in individuals affected with Porencephaly 1 and no experimental evidence demonstrating its impact on protein function have been reported. ClinVar contains an entry for this variant (Variation ID: 311083). Based on the evidence outlined above, the variant was classified as uncertain significance.

Illumina Laboratory Services, Illumina
Classification: Uncertain significance for Autosomal dominant familial hematuria-retinal arteriolar tortuosity-contractures syndrome. Last evaluated: 2018-01-12. Review status: criteria provided, single submitter. Criteria: ICSL Variant Classification Criteria 13 December 2019. Collection method: clinical testing. Allele origin: germline.

Illumina Laboratory Services, Illumina
Classification: Uncertain significance for Brain small vessel disease 1 with or without ocular anomalies. Last evaluated: 2018-01-12. Review status: criteria provided, single submitter. Criteria: ICSL Variant Classification Criteria 13 December 2019. Collection method: clinical testing. Allele origin: germline.